The following is an entry in ClinVar:

ClinVar aggregate classification (germline): Likely benign (0 of 4 stars; one submission).

Conditions:
FLNB-related disorder. Also called: FLNB-related disorders; FLNB-related condition. Identifiers: MedGen CN381095.

Submission:

PreventionGenetics, part of Exact Sciences
Classification: Likely benign for FLNB-related condition. Last evaluated: 2019-10-15. Review status: no assertion criteria provided. Collection method: clinical testing. Allele origin: germline.
Comment: This variant is classified as likely benign based on ACMG/AMP sequence variant interpretation guidelines (Richards et al. 2015 PMID: 25741868, with internal and published modifications).

NM_001457.4(FLNB):c.4515-24GT[9]

Gene: FLNB (filamin B; plus strand). Cytogenetic location: 3p14.3.
Variant type: Microsatellite.
Coding change: c.4515-24GT[9] on transcript NM_001457.4 (MANE Select); nine copies in a row of the 2-base unit GT starting at c.4515-24; the reference has eight copies in a row; one copy, 2 bases duplicated.
Molecular consequence: intron variant.
Genome position (GRCh38, 1-based): chr3:58,134,606-58,134,607, GT duplicated; duplicating any 2 consecutive bases within chr3:58,134,592-58,134,607 gives the same sequence; the position shown is the placement nearest the transcript's 3' end. VCF-style (leftmost placement, unchanged base first): chr3-58134591-G-GGT. GRCh37 (hg19) VCF-style: chr3-58120318-G-GGT.
Other names: c.4608-24GT[9] (NM_001164317.2); c.4515-24GT[9] (NM_001164318.2, NM_001164319.2).
Identifiers: ClinVar variation 3045628 (VCV003045628.2), dbSNP rs151085835, ClinGen allele CA2468803.